The following is an entry in ClinVar:

NM_001369.3(DNAH5):c.6244_6245insTCGGTAACCATTG (p.Thr2082fs)

Gene: DNAH5 (dynein axonemal heavy chain 5; minus strand). Cytogenetic location: 5p15.2.
Variant type: Insertion.
Coding change: c.6244_6245insTCGGTAACCATTG on transcript NM_001369.3 (MANE Select); coding-DNA positions 6244 to 6245, TCGGTAACCATTG inserted.
Protein change: p.Thr2082fs; shifts the reading frame from threonine 2082.
Molecular consequence: frameshift variant.
Genome position: GRCh38 VCF-style: chr5-13830030-G-GCAATGGTTACCGA. GRCh37 (hg19) VCF-style: chr5-13830139-G-GCAATGGTTACCGA.
Other names: short protein forms T2082fs.
Identifiers: ClinVar variation 5016303 (VCV005016303.1).
Genomic context (GRCh38, chr5:13,830,030, plus strand): 5'-CATGAAAATTGTGATAAGAAGGCTGAAATTCAGTAGCTTTTCTAGCAGCTCCTTACCATG[G>GCAATGGTTACCGA]TTAAGAAAAGCCCAAATTCAGGGTTCATAGTCACATTATCTCCATCAGTAAAGATAAAAG-3'

ClinVar aggregate classification (germline): Pathogenic (1 of 4 stars; one submission).

Conditions:
Primary ciliary dyskinesia 3. Identifiers: Orphanet 244, MedGen C1837618, MONDO:0012085, OMIM 608644.

Submission:

Myriad Genetics, Inc.
Classification: Pathogenic for Primary ciliary dyskinesia 3. Last evaluated: 2024-05-14. Review status: criteria provided, single submitter. Criteria: Myriad Autosomal Dominant, Autosomal Recessive and X-Linked Classification Criteria (2023). Collection method: clinical testing. Allele origin: unknown.
Comment: NM_001369.2(DNAH5):c.6244_6245ins13(T2082Ifs*18) is expected to be pathogenic in the context of primary ciliary dyskinesia, DNAH5-related. This variant is predicted to lead to an abnormal or absent protein product due to the creation of a premature termination codon in DNAH5, a gene where loss-of-function variants are known to be pathogenic. Please note: this variant was assessed in the context of healthy population screening.